The following is an entry in ClinVar:

NM_001378418.1(TCF20):c.1028A>T (p.Gln343Leu)

Gene: TCF20 (transcription factor 20; minus strand). Cytogenetic location: 22q13.2.
Variant type: single nucleotide variant.
Coding change: c.1028A>T on transcript NM_001378418.1 (MANE Select); coding-DNA position 1028, A replaced by T.
Protein change: p.Gln343Leu; replaces glutamine 343 with leucine.
Molecular consequence: missense variant.
Genome position (GRCh38, 1-based): chr22:42,214,278, T>A on the plus strand (A>T on the coding strand, the complement: TCF20 is on the minus strand). VCF-style: chr22-42214278-T-A. GRCh37 (hg19) VCF-style: chr22-42610284-T-A.
Other names: c.1028A>T, p.Gln343Leu (NM_005650.4, NM_181492.3); short protein forms Q343L.
Identifiers: ClinVar variation 4763607 (VCV004763607.1).

ClinVar aggregate classification (germline): Uncertain significance (1 of 4 stars; one submission).

gnomAD v4.1: 1 of 1,614,236 alleles (0.000062%); highest among the groups gnomAD compares: Admixed American, 0.0017%; no homozygotes.

Submission:

Labcorp Genetics (formerly Invitae), Labcorp
Classification: Uncertain significance. Last evaluated: 2026-02-03. Review status: criteria provided, single submitter. Criteria: Invitae Variant Classification Sherloc (09022015). Collection method: clinical testing. Allele origin: germline.
Comment: This sequence change replaces glutamine, which is neutral and polar, with leucine, which is neutral and non-polar, at codon 343 of the TCF20 protein (p.Gln343Leu). This variant is present in population databases (no rsID available, gnomAD 0.003%). This variant has not been reported in the literature in individuals affected with TCF20-related conditions. An algorithm developed to predict the effect of missense changes on protein structure and function (PolyPhen-2) suggests that this variant is likely to be disruptive. In summary, the available evidence is currently insufficient to determine the role of this variant in disease. Therefore, it has been classified as a Variant of Uncertain Significance.